The following is an entry in ClinVar:

ClinVar aggregate classification (germline): Likely pathogenic (1 of 4 stars; one submission).

Conditions:
Snijders Blok-Campeau syndrome. Also called: INTELLECTUAL DEVELOPMENTAL DISORDER WITH MACROCEPHALY, SPEECH DELAY, AND DYSMORPHIC FACIES. Identifiers: Orphanet 599082, MedGen C4748701, MONDO:0032600, OMIM 618205.

Submission:

Genetics and Molecular Pathology, SA Pathology
Classification: Likely pathogenic for Snijders Blok-Campeau syndrome. Last evaluated: 2023-05-17. Review status: criteria provided, single submitter. Criteria: ACMG Guidelines, 2015. Collection method: clinical testing. Allele origin: germline. Inheritance: Autosomal dominant inheritance. Affected: yes.
Comment: The CHD3 c.2912A>C variant is classified as a LIKELY PATHOGENIC variant (PS2, PM2, PP3) The variant is a single nucleotide change in exon 18/40 of the CHD3 gene, which is predicted to change the amino acid aspartic acid at position 971 in the protein to alanine. The variant is not in dbSNP and is absent from population databases (PM2). The variant has not been reported in ClinVar or HGMD disease databases. Computational predictions support a deleterious effect on the gene or gene product (PP3). Clinical review is recommended.

NM_001005273.3(CHD3):c.2912A>C (p.Asp971Ala)

Gene: CHD3 (chromodomain helicase DNA binding protein 3; plus strand). Cytogenetic location: 17p13.1.
Variant type: single nucleotide variant.
Coding change: c.2912A>C on transcript NM_001005273.3 (MANE Select); coding-DNA position 2912, A replaced by C.
Protein change: p.Asp971Ala; replaces aspartic acid 971 with alanine.
Molecular consequence: missense variant.
Genome position (GRCh38, 1-based): chr17:7,900,665, A>C. VCF-style: chr17-7900665-A-C. GRCh37 (hg19) VCF-style: chr17-7803983-A-C.
Other names: c.3089A>C, p.Asp1030Ala (NM_001005271.3); c.2912A>C, p.Asp971Ala (NM_005852.4); short protein forms D1030A, D971A.
Identifiers: ClinVar variation 2664700 (VCV002664700.1), dbSNP rs2544953720, ClinGen allele CA397940631.
Genomic context (GRCh38, chr17:7,900,665, plus strand): 5'-ACCAGATCAAGAAACTGCATGATTTGCTGGGGCCACACATGCTGCGGAGACTCAAGGCAG[A>C]TGTCTTTAAGAACATGCCAGCCAAGACAGAGCTCATCGTTCGGGTGGAGCTAAGCCCCAT-3'
Protein context (NP_001005273.1, residues 961-981): GPHMLRRLKA[Asp971Ala]VFKNMPAKTE